The following is an entry in ClinVar:

NM_001457.4(FLNB):c.6073G>T (p.Val2025Leu)

Gene: FLNB (filamin B; plus strand). Cytogenetic location: 3p14.3.
Variant type: single nucleotide variant.
Coding change: c.6073G>T on transcript NM_001457.4 (MANE Select); coding-DNA position 6073, G replaced by T.
Protein change: p.Val2025Leu; replaces valine 2025 with leucine.
Molecular consequence: missense variant.
Genome position (GRCh38, 1-based): chr3:58,148,834, G>T. VCF-style: chr3-58148834-G-T. GRCh37 (hg19) VCF-style: chr3-58134561-G-T.
Other names: c.6166G>T, p.Val2056Leu (NM_001164317.2); c.6040G>T, p.Val2014Leu (NM_001164318.2); c.6001G>T, p.Val2001Leu (NM_001164319.2); short protein forms V2014L, V2056L, V2001L, V2025L.
Identifiers: ClinVar variation 3700297 (VCV003700297.2).
Genomic context (GRCh38, chr3:58,148,834, plus strand): 5'-GCCAAAGTCTATGGCCGCGGCCTGTCAGAAGGCCGGACTTTCGAGATGTCTGACTTCATC[G>T]TGGACACAAGGGATGCAGGTCTGTGTGGTCCCAGGGGAGAGGCCCAGAGCTTGTGGGAAC-3'
Protein context (NP_001448.2, residues 2015-2035): GRTFEMSDFI[Val2025Leu]DTRDAGYGGI

ClinVar aggregate classification (germline): Uncertain significance (1 of 4 stars; one submission).

gnomAD v4.1: 2 of 1,613,044 alleles (0.00012%); highest among the groups gnomAD compares: Admixed American, 0.0017%; no homozygotes.

Submission:

Labcorp Genetics (formerly Invitae), Labcorp
Classification: Uncertain significance. Last evaluated: 2024-02-03. Review status: criteria provided, single submitter. Criteria: Invitae Variant Classification Sherloc (09022015). Collection method: clinical testing. Allele origin: germline.
Comment: This sequence change replaces valine, which is neutral and non-polar, with leucine, which is neutral and non-polar, at codon 2025 of the FLNB protein (p.Val2025Leu). The frequency data for this variant in the population databases is considered unreliable, as metrics indicate poor data quality at this position in the gnomAD database. This variant has not been reported in the literature in individuals affected with FLNB-related conditions. Advanced modeling of protein sequence and biophysical properties (such as structural, functional, and spatial information, amino acid conservation, physicochemical variation, residue mobility, and thermodynamic stability) performed at Invitae indicates that this missense variant is not expected to disrupt FLNB protein function with a negative predictive value of 95%. In summary, the available evidence is currently insufficient to determine the role of this variant in disease. Therefore, it has been classified as a Variant of Uncertain Significance.